The following is an entry in ClinVar:

ClinVar aggregate classification (germline): Uncertain significance (1 of 4 stars; one submission).

Submission:

Ambry Genetics
Classification: Uncertain significance. Last evaluated: 2025-03-06. Review status: criteria provided, single submitter. Criteria: Ambry Variant Classification Scheme 2023. Collection method: clinical testing. Allele origin: germline.
Comment: The p.P45S variant (also known as c.133C>T), located in coding exon 1 of the PALLD gene, results from a C to T substitution at nucleotide position 133. The proline at codon 45 is replaced by serine, an amino acid with similar properties. This amino acid position is conserved. In addition, this alteration is predicted to be tolerated by in silico analysis. Based on the available evidence, the clinical significance of this variant remains unclear.

NM_001166108.2(PALLD):c.1965-12898C>T

Gene: PALLD (palladin, cytoskeletal associated protein; plus strand). Cytogenetic location: 4q32.3.
Variant type: single nucleotide variant.
Coding change: c.1965-12898C>T on transcript NM_001166108.2 (MANE Select); 12898 bases into the intron before coding-DNA position 1965, C replaced by T.
Molecular consequence: intron variant. On other transcripts: missense variant (1).
Genome position (GRCh38, 1-based): chr4:168,878,024, C>T. VCF-style: chr4-168878024-C-T. GRCh37 (hg19) VCF-style: chr4-169799175-C-T.
Other names: c.133C>T, p.Pro45Ser (NM_001166110.2); c.1965-12898C>T (NM_016081.4); c.819-12898C>T (NM_001166109.2); c.-157-12898C>T (NM_001367570.1, NM_001367568.1, NM_001367567.1 and 1 more transcripts); short protein forms P45S.
Identifiers: ClinVar variation 3885362 (VCV003885362.1).